The following is an entry in ClinVar:

NM_000222.3(KIT):c.2019T>G (p.Cys673Trp)

Gene: KIT (KIT proto-oncogene, receptor tyrosine kinase; plus strand). Cytogenetic location: 4q12.
Variant type: single nucleotide variant.
Coding change: c.2019T>G on transcript NM_000222.3 (MANE Select); coding-DNA position 2019, T replaced by G.
Protein change: p.Cys673Trp; replaces cysteine 673 with tryptophan.
Molecular consequence: missense variant.
Genome position (GRCh38, 1-based): chr4:54,729,363, T>G. VCF-style: chr4-54729363-T-G. GRCh37 (hg19) VCF-style: chr4-55595529-T-G.
Other names: c.2007T>G, p.Cys669Trp (NM_001093772.2, NM_001385286.1); c.2022T>G, p.Cys674Trp (NM_001385284.1, NM_001385290.1); c.2019T>G, p.Cys673Trp (NM_001385285.1); c.2010T>G, p.Cys670Trp (NM_001385288.1, NM_001385292.1); short protein forms C673W, C669W, C674W, C670W.
Identifiers: ClinVar variation 5000874 (VCV005000874.1).

ClinVar aggregate classification (germline): Uncertain significance (1 of 4 stars; one submission).

Conditions:
KIT-related disorder. Also called: KIT-related condition.

Submission:

PreventionGenetics, part of Exact Sciences
Classification: Uncertain significance for KIT-related condition. Last evaluated: 2025-03-07. Review status: criteria provided, single submitter. Criteria: ACMG Guidelines, 2015. Collection method: clinical testing. Allele origin: germline.
Comment: The KIT c.2019T>G variant is predicted to result in the amino acid substitution p.Cys673Trp. To our knowledge, this variant has not been reported in the literature or in a large population database (gnomAD), indicating it is rare. At this time, the clinical significance of this variant is uncertain due to the absence of conclusive functional and genetic evidence.